The following is an entry in ClinVar:

ClinVar aggregate classification (germline): Pathogenic. Review status: reviewed by expert panel (3 of 4 stars). 4 submissions from 4 submitters: Pathogenic (1). 3 of the submissions do not count toward it. Last evaluated 2017-12-15.

Conditions:
Breast-ovarian cancer, familial, susceptibility to, 1 (BROVCA1). Also called: BRCA1 Hereditary Breast and Ovarian Cancer; OVARIAN CANCER, SUSCEPTIBILITY TO. Identifiers: Orphanet 145, MedGen C2676676, MONDO:0011450, OMIM 604370. Disease mechanism: loss of function.

Submissions (4):

Evidence-based Network for the Interpretation of Germline Mutant Alleles (ENIGMA)
Classification: Pathogenic for Breast-ovarian cancer, familial, susceptibility to, 1. Last evaluated: 2017-12-15. Review status: reviewed by expert panel. Criteria: ENIGMA BRCA1/2 Classification Criteria (2017-06-29). Collection method: curation. Allele origin: germline. Study: ENIGMA.
Comment: Variant allele predicted to encode a truncated non-functional protein.

Genetic Services Laboratory, University of Chicago
Classification: Pathogenic. Last evaluated: 2024-08-16. Review status: criteria provided, single submitter. Criteria: ACMG Guidelines, 2015. Collection method: clinical testing. Allele origin: germline. Affected: yes. Not counted in ClinVar's aggregate classification.
Comment: DNA sequence analysis of the BRCA1 gene demonstrated a 4 base pair deletion in exon 10, c.3138_3141del. This sequence change results in an amino acid frameshift and creates a premature stop codon 12 amino acids downstream of the change, p.Gly1048Profs*13. This sequence change is predicted to result in an abnormal transcript, which may be degraded, or may lead to the production of a truncated BRCA1 protein with potentially abnormal function. The c.3138_3141del sequence change has not been described in population databases such as ExAC and gnomAD. While this sequence change has not previously been described in the literature, loss-of-function variants in the BRCA1 gene are known to be pathogenic (PMID: 32776218, 10660329, 8933332, 20301425). These collective evidences indicate that this sequence change is pathogenic, however functional studies have not been performed to prove this conclusively.

GeneDx
Classification: Pathogenic. Last evaluated: 2021-07-06. Review status: criteria provided, single submitter. Criteria: GeneDx Variant Classification Process June 2021. Collection method: clinical testing. Allele origin: germline. Affected: yes. Not counted in ClinVar's aggregate classification.
Comment: Frameshift variant predicted to result in protein truncation or nonsense mediated decay in a gene for which loss-of-function is a known mechanism of disease; Not observed at significant frequency in large population cohorts (Lek 2016); Truncating variants in this gene are considered pathogenic by a well-established clinical consortium and/or database; Has not been previously published as pathogenic or benign to our knowledge; This variant is associated with the following publications: (PMID: 27535533)

Counsyl
Classification: Likely pathogenic for Breast-ovarian cancer, familial, susceptibility to, 1. Last evaluated: 2017-10-06. Review status: no assertion criteria provided. Collection method: clinical testing. Allele origin: unknown. Not counted in ClinVar's aggregate classification.

NM_007294.4(BRCA1):c.3138_3141del (p.Gly1048fs)

Gene: BRCA1 (BRCA1 DNA repair associated; minus strand). Cytogenetic location: 17q21.31.
Variant type: Deletion.
Coding change: c.3138_3141del on transcript NM_007294.4 (MANE Select); coding-DNA positions 3138 to 3141, 4 bases deleted (AGTA; older notation c.3138_3141delAGTA).
Protein change: p.Gly1048fs; shifts the reading frame from glycine 1048.
Molecular consequence: frameshift variant. On other transcripts: intron variant (137).
Genome position (GRCh38, 1-based): chr17:43,092,390-43,092,393, TACT deleted on the plus strand (AGTA on the coding strand, the reverse complement: BRCA1 is on the minus strand); deleting any 4 consecutive bases within chr17:43,092,390-43,092,394 gives the same sequence; the c. name uses the placement nearest the transcript's 3' end. VCF-style (leftmost placement, unchanged base first): chr17-43092389-CTACT-C. GRCh37 (hg19) VCF-style: chr17-41244406-CTACT-C.
Other names: c.3138_3141delAGTA (NM_007294.3); c.665-1361_665-1358del (NM_001408427.1, NM_001408443.1, NM_001408439.1 and 12 more transcripts); c.524-1361_524-1358del (NM_001408496.1, NM_001408499.1, NM_001408498.1 and 3 more transcripts); c.647-1361_647-1358del (NM_001408460.1, NM_001408454.1, NM_001408456.1 and 11 more transcripts); c.707-1361_707-1358del (NM_001408413.1, NM_001408416.1); c.587-1361_587-1358del (NM_001408476.1, NM_001408474.1); c.710-1361_710-1358del (NM_001408409.1, NM_001408414.1, NM_001408411.1 and 2 more transcripts); c.575-1361_575-1358del (NM_001408493.1, NM_001408490.1, NM_001408491.1); and 43 more; short protein forms G1001fs, G1048fs, G1000fs, G880fs, G920fs, G960fs, G977fs, G980fs.
Identifiers: ClinVar variation 419901 (VCV000419901.7), dbSNP rs1064794177, ClinGen allele CA16620429.